The following is an entry in ClinVar:

ClinVar aggregate classification (germline): Uncertain significance (1 of 4 stars; one submission).

Allele frequency attached by ClinVar (database versions not stated): gnomAD exomes below 0.00001; TOPMed 0.00001.

Submission:

GeneDx
Classification: Uncertain significance. Last evaluated: 2023-05-08. Review status: criteria provided, single submitter. Criteria: GeneDx Variant Classification Process June 2021. Collection method: clinical testing. Allele origin: germline. Affected: yes.
Comment: Not observed at significant frequency in large population cohorts (gnomAD); In silico analysis supports that this missense variant has a deleterious effect on protein structure/function; Has not been previously published as pathogenic or benign to our knowledge

NM_001032382.2(PQBP1):c.556C>T (p.Pro186Ser)

Gene: PQBP1 (polyglutamine binding protein 1; plus strand). Cytogenetic location: Xp11.23.
Variant type: single nucleotide variant.
Coding change: c.556C>T on transcript NM_001032382.2 (MANE Select); coding-DNA position 556, C replaced by T.
Protein change: p.Pro186Ser; replaces proline 186 with serine.
Molecular consequence: missense variant. On other transcripts: intron variant (1).
Genome position (GRCh38, 1-based): chrX:48,902,496, C>T. VCF-style: chrX-48902496-C-T. GRCh37 (hg19) VCF-style: chrX-48759773-C-T.
Other names: c.556C>T, p.Pro186Ser (NM_001032381.2, NM_001032383.2, NM_001032384.1 and 2 more transcripts); c.532C>T, p.Pro178Ser (NM_001167990.2); c.256C>T, p.Pro86Ser (NM_001167992.1); c.293-236C>T (NM_144495.3); short protein forms P178S, P186S, P86S.
Identifiers: ClinVar variation 2663334 (VCV002663334.1), dbSNP rs2063436670, ClinGen allele CA412890818.